The following is an entry in ClinVar:

NM_000875.5(IGF1R):c.*2425_*2426dup

Gene: IGF1R (insulin like growth factor 1 receptor; plus strand). Cytogenetic location: 15q26.3.
Variant type: Duplication.
Coding change: c.*2425_*2426dup on transcript NM_000875.5 (MANE Select); 2425 bases downstream of the stop codon through 2426 bases downstream of the stop codon, 2 bases duplicated (AA; older notation c.*2425_*2426dupAA).
Molecular consequence: 3 prime UTR variant.
Genome position (GRCh38, 1-based): chr15:98,959,867-98,959,868, AA duplicated; duplicating any 2 consecutive bases within chr15:98,959,855-98,959,868 gives the same sequence; the c. name uses the placement nearest the transcript's 3' end. VCF-style (leftmost placement, unchanged base first): chr15-98959854-T-TAA. GRCh37 (hg19) VCF-style: chr15-99503083-T-TAA.
Other names: c.*2425_*2426dup (NM_001291858.2).
Identifiers: ClinVar variation 3031267 (VCV003031267.2), dbSNP rs398028512, ClinGen allele CA620067075.

ClinVar aggregate classification (germline): Likely benign (0 of 4 stars; one submission).

Conditions:
IGF1R-related disorder. Also called: IGF1R-related condition.

Submission:

PreventionGenetics, part of Exact Sciences
Classification: Likely benign for IGF1R-related condition. Last evaluated: 2022-08-16. Review status: no assertion criteria provided. Collection method: clinical testing. Allele origin: germline.
Comment: This variant is classified as likely benign based on ACMG/AMP sequence variant interpretation guidelines (Richards et al. 2015 PMID: 25741868, with internal and published modifications).